The following is an entry in ClinVar:

NM_000466.3(PEX1):c.3258del (p.Asn1088fs)

Genes: PEX1 (peroxisomal biogenesis factor 1; minus strand), GATAD1 (GATA zinc finger domain containing 1; plus strand). Cytogenetic location: 7q21.2.
Variant type: Deletion.
Coding change: c.3258del on transcript NM_000466.3 (MANE Select); coding-DNA position 3258, one base deleted (T; older notation c.3258delT).
Protein change: p.Asn1088fs; shifts the reading frame from asparagine 1088.
Molecular consequence: frameshift variant.
Genome position (GRCh38, 1-based): chr7:92,491,452, A deleted on the plus strand (T on the coding strand, the reverse complement: PEX1 is on the minus strand); the first of 3 consecutive A bases (chr7:92,491,452-92,491,454); deleting any one gives the same sequence. VCF-style (leftmost placement, unchanged base first): chr7-92491451-GA-G. GRCh37 (hg19) VCF-style: chr7-92120765-GA-G.
Other names: c.3087del, p.Asn1031fs (NM_001282677.2); c.2634del, p.Asn880fs (NM_001282678.2); short protein forms N1031fs, N1088fs, N880fs.
Identifiers: ClinVar variation 1068947 (VCV001068947.8), dbSNP rs2116059954, ClinGen allele CA2499219044.

ClinVar aggregate classification (germline): Pathogenic/Likely pathogenic. Review status: criteria provided, multiple submitters, no conflicts (2 of 4 stars). 2 submissions from 2 submitters: Pathogenic (1); Likely pathogenic (1). Last evaluated 2024-09-16.

Conditions:
Zellweger spectrum disorders (ZS). Also called: Zellweger Spectrum Disorder (ZSD); Zellweger syndrome; Zellweger Spectrum Disorder; Zellweger Spectrum. Identifiers: Orphanet 912, MedGen C0043459, MONDO:0019609.

Submissions (2):

Revvity Omics, Revvity
Classification: Likely pathogenic. Last evaluated: 2024-09-16. Review status: criteria provided, single submitter. Criteria: ACMG Guidelines, 2015. Collection method: clinical testing. Allele origin: germline.

Labcorp Genetics (formerly Invitae), Labcorp
Classification: Pathogenic for Zellweger spectrum disorders. Last evaluated: 2020-02-14. Review status: criteria provided, single submitter. Criteria: Invitae Variant Classification Sherloc (09022015). Collection method: clinical testing. Allele origin: germline.
Comment: For these reasons, this variant has been classified as Pathogenic. Loss-of-function variants in PEX1 are known to be pathogenic (PMID: 9398847, 16086329, 16141001, 21031596). This variant has not been reported in the literature in individuals with PEX1-related conditions. This variant is not present in population databases (ExAC no frequency). This sequence change creates a premature translational stop signal (p.Asn1088Thrfs*17) in the PEX1 gene. It is expected to result in an absent or disrupted protein product.

Literature cited by the submitters: PubMed 9398847 (cited by Labcorp Genetics (formerly Invitae), Labcorp); PubMed 16086329 (cited by Labcorp Genetics (formerly Invitae), Labcorp); PubMed 16141001 (cited by Labcorp Genetics (formerly Invitae), Labcorp); PubMed 21031596 (cited by Labcorp Genetics (formerly Invitae), Labcorp).